The following is an entry in ClinVar:

ClinVar aggregate classification (germline): Conflicting classifications of pathogenicity. Review status: criteria provided, conflicting classifications (1 of 4 stars). 3 submissions from 3 submitters: Uncertain significance (2); Likely benign (1). Last evaluated 2025-05-19.

Conditions:
Familial hypobetalipoproteinemia 1. Also called: Hypobetalipoproteinemia, normotriglyceridemic; Acanthocytosis with hypobetalipoproteinemia; APOB-Related Familial Hypobetalipoproteinemia. Identifiers: MedGen C4551990, MONDO:0014252, OMIM 615558.
Hypercholesterolemia, autosomal dominant, type B (FHCL2). Also called: APOLIPOPROTEIN B-100, FAMILIAL DEFECTIVE; APOLIPOPROTEIN B-100, FAMILIAL LIGAND-DEFECTIVE; HYPERCHOLESTEROLEMIA, FAMILIAL, DUE TO LIGAND-DEFECTIVE APOLIPOPROTEIN B; Hyperlipoproteinemia Type IIb; Familial hypercholesterolemia 2; APOB-Related Familial Hypercholesterolemia, Autosomal Dominant. Identifiers: MedGen C1704417, MONDO:0007751, OMIM 144010.
Cardiovascular phenotype. Identifiers: MedGen CN230736.

Allele frequency attached by ClinVar (database versions not stated): TOPMed 0.00001; ExAC 0.00001; gnomAD 0.00001.
gnomAD v4.1: 31 of 1,614,122 alleles (0.0019%); highest among the groups gnomAD compares: Non-Finnish European, 0.0025%; no homozygotes.

Submissions (3):

Labcorp Genetics (formerly Invitae), Labcorp
Classification: Likely benign for Familial hypobetalipoproteinemia 1; Hypercholesterolemia, autosomal dominant, type B. Last evaluated: 2025-05-19. Review status: criteria provided, single submitter. Criteria: Invitae Variant Classification Sherloc (09022015). Collection method: clinical testing. Allele origin: germline.

Ambry Genetics
Classification: Uncertain significance for Cardiovascular phenotype. Last evaluated: 2023-11-01. Review status: criteria provided, single submitter. Criteria: Ambry Variant Classification Scheme 2023. Collection method: clinical testing. Allele origin: germline.
Comment: The p.I779V variant (also known as c.2335A>G), located in coding exon 16 of the APOB gene, results from an A to G substitution at nucleotide position 2335. The isoleucine at codon 779 is replaced by valine, an amino acid with highly similar properties. This amino acid position is conserved. In addition, this alteration is predicted to be tolerated by in silico analysis. Since supporting evidence is limited at this time, the clinical significance of this alteration remains unclear.

Fulgent Genetics
Classification: Uncertain significance for Hypercholesterolemia, autosomal dominant, type B; Familial hypobetalipoproteinemia 1. Last evaluated: 2021-10-04. Review status: criteria provided, single submitter. Criteria: ACMG Guidelines, 2015. Collection method: clinical testing. Allele origin: unknown.

NM_000384.3(APOB):c.2335A>G (p.Ile779Val)

Gene: APOB (apolipoprotein B; minus strand). Cytogenetic location: 2p24.1.
Variant type: single nucleotide variant.
Coding change: c.2335A>G on transcript NM_000384.3 (MANE Select); coding-DNA position 2335, A replaced by G.
Protein change: p.Ile779Val; replaces isoleucine 779 with valine.
Molecular consequence: missense variant.
Genome position (GRCh38, 1-based): chr2:21,025,034, T>C on the plus strand (A>G on the coding strand, the complement: APOB is on the minus strand). VCF-style: chr2-21025034-T-C. GRCh37 (hg19) VCF-style: chr2-21247906-T-C.
Other names: short protein forms I779V.
Identifiers: ClinVar variation 858818 (VCV000858818.16), dbSNP rs763559077, ClinGen allele CA055892.